The following is an entry in ClinVar:

ClinVar aggregate classification (germline): Likely pathogenic (1 of 4 stars; one submission).

Conditions:
Ghosal hematodiaphyseal dysplasia. Also called: Ghosal hematodiaphyseal syndrome. Identifiers: Orphanet 1802, MedGen C1856465, MONDO:0009274, OMIM 231095.
Thromboxane synthetase deficiency (BDPLT14). Also called: Bleeding disorder, platelet-type, 14. Identifiers: MedGen C0398635, MONDO:0013597, OMIM 614158.

Submission:

Center for Genomics, Ann and Robert H. Lurie Children's Hospital of Chicago
Classification: Likely pathogenic for Thromboxane synthetase deficiency; Ghosal hematodiaphyseal dysplasia. Last evaluated: 2017-12-14. Review status: criteria provided, single submitter. Criteria: ACMG Guidelines, 2015. Collection method: clinical testing. Allele origin: germline.
Comment: TBXAS1 NM_001061.4 exon7 c.583_584del p.Ala195Leufs*12: This variant has not been reported in the literature but is present in 2/11672 European alleles in the Genome Aggregation Database. Evolutionary conservation and computational predictive tools for this variant are limited or unavailable. This variant represents a deletion of two nucleotides and creates a premature stop codon 12 amino acids downstream from this location which results in an absent or abnormal protein. However, there is limited informaton available and loss of function variants have not been established as mechanism of disease for this gene. In summary, data on this variant is insufficient for disease classification. Therefore, the clinical significance of this variant is uncertain.

NM_001061.7(TBXAS1):c.580_581del (p.Ala194fs)

Gene: TBXAS1 (thromboxane A synthase 1; plus strand). Cytogenetic location: 7q34.
Variant type: Deletion.
Coding change: c.580_581del on transcript NM_001061.7 (MANE Select); coding-DNA positions 580 to 581, 2 bases deleted (GC; older notation c.580_581delGC).
Protein change: p.Ala194fs; shifts the reading frame from alanine 194.
Molecular consequence: frameshift variant.
Genome position (GRCh38, 1-based): chr7:139,955,499-139,955,500, GC deleted; deleting any 2 consecutive bases within chr7:139,955,498-139,955,500 gives the same sequence; the c. name uses the placement nearest the transcript's 3' end. VCF-style (leftmost placement, unchanged base first): chr7-139955497-TCG-T. GRCh37 (hg19) VCF-style: chr7-139655296-TCG-T.
Other names: c.580_581del, p.Ala194fs (NM_001130966.5, NM_030984.6); c.718_719del, p.Ala240fs (NM_001166253.4); c.379_380del, p.Ala127fs (NM_001166254.4); c.523_524del, p.Ala175fs (NM_001314028.4); c.397_398del, p.Ala133fs (NM_001366537.3); short protein forms A175fs, A194fs, A240fs, A127fs, A133fs.
Identifiers: ClinVar variation 626225 (VCV000626225.1), dbSNP rs760698812, ClinGen allele CA4511721.